The following is an entry in ClinVar:

ClinVar aggregate classification (germline): Uncertain significance (1 of 4 stars; one submission).

Conditions:
Neutral lipid storage myopathy (NLSDM). Also called: NEUTRAL LIPID STORAGE DISEASE WITHOUT ICHTHYOSIS. Identifiers: Orphanet 98908, MedGen C1853136, MONDO:0012545, OMIM 610717.

Submission:

Labcorp Genetics (formerly Invitae), Labcorp
Classification: Uncertain significance for Neutral lipid storage myopathy. Last evaluated: 2025-09-05. Review status: criteria provided, single submitter. Criteria: Invitae Variant Classification Sherloc (09022015). Collection method: clinical testing. Allele origin: germline.
Comment: This sequence change replaces histidine, which is basic and polar, with arginine, which is basic and polar, at codon 42 of the PNPLA2 protein (p.His42Arg). This variant is not present in population databases (gnomAD no frequency). This variant has not been reported in the literature in individuals affected with PNPLA2-related conditions. Invitae Evidence Modeling of protein sequence and biophysical properties (such as structural, functional, and spatial information, amino acid conservation, physicochemical variation, residue mobility, and thermodynamic stability) indicates that this missense variant is not expected to disrupt PNPLA2 protein function with a negative predictive value of 80%. In summary, the available evidence is currently insufficient to determine the role of this variant in disease. Therefore, it has been classified as a Variant of Uncertain Significance.

NM_020376.4(PNPLA2):c.125A>G (p.His42Arg)

Genes: PNPLA2 (patatin like domain 2, triacylglycerol lipase; plus strand), LOC130005097 (ATAC-STARR-seq lymphoblastoid silent region 3036; plus strand). Cytogenetic location: 11p15.5.
Variant type: single nucleotide variant.
Coding change: c.125A>G on transcript NM_020376.4 (MANE Select); coding-DNA position 125, A replaced by G.
Protein change: p.His42Arg; replaces histidine 42 with arginine.
Molecular consequence: missense variant.
Genome position (GRCh38, 1-based): chr11:819,843, A>G. VCF-style: chr11-819843-A-G. GRCh37 (hg19) VCF-style: chr11-819843-A-G.
Other names: short protein forms H42R.
Identifiers: ClinVar variation 4739559 (VCV004739559.1).